The following is an entry in ClinVar:

ClinVar aggregate classification (germline): Pathogenic (1 of 4 stars; one submission).

Conditions:
Holocarboxylase synthetase deficiency. Also called: MULTIPLE CARBOXYLASE DEFICIENCY, EARLY ONSET. Identifiers: Orphanet 79242, MedGen C0268581, MONDO:0009666, OMIM 253270.

Submission:

Labcorp Genetics (formerly Invitae), Labcorp
Classification: Pathogenic for Holocarboxylase synthetase deficiency. Last evaluated: 2018-12-07. Review status: criteria provided, single submitter. Criteria: Invitae Variant Classification Sherloc (09022015). Collection method: clinical testing. Allele origin: germline.
Comment: This variant is not present in population databases (ExAC no frequency). This sequence change creates a premature translational stop signal (p.Tyr195*) in the HLCS gene. It is expected to result in an absent or disrupted protein product. For these reasons, this variant has been classified as Pathogenic. Loss-of-function variants in HLCS are known to be pathogenic (PMID: 16134170). This variant has not been reported in the literature in individuals with HLCS-related conditions.

Literature cited by the submitters: PubMed 16134170.

NM_001352514.2(HLCS):c.1025dup (p.Tyr342Ter)

Gene: HLCS (holocarboxylase synthetase; minus strand). Cytogenetic location: 21q22.13.
Variant type: Duplication.
Coding change: c.1025dup on transcript NM_001352514.2 (MANE Select); coding-DNA position 1025, one base duplicated (A; older notation c.1025dupA).
Protein change: p.Tyr342Ter; replaces tyrosine 342 with a stop codon.
Molecular consequence: nonsense. On other transcripts: non-coding transcript variant (2).
Genome position (GRCh38, 1-based): chr21:36,936,861, T duplicated on the plus strand (A on the coding strand, the reverse complement: HLCS is on the minus strand). VCF-style (leftmost placement, unchanged base first): chr21-36936860-A-AT. GRCh37 (hg19) VCF-style: chr21-38309160-A-AT.
Other names: c.584dup, p.Tyr195Ter (NM_000411.8, NM_001242784.3, NM_001242785.2 and 4 more transcripts); short protein forms Y342*, Y195*.
Identifiers: ClinVar variation 654583 (VCV000654583.6), dbSNP rs1601803431, ClinGen allele CA915952641.
Genomic context (GRCh38, chr21:36,936,860, plus strand): 5'-CAGACAGTTGTCCGTCCACGGGTCTCTGAGAGCACTGTCCTCCAGCAGGTGGTAGAGAAT[A>AT]TAACTGTCAATGTCCACACAGTCGGCCAGCACAGACCGGACCTCGTGGAACCGGCCGAGG-3'